The following is an entry in ClinVar:

ClinVar aggregate classification (germline): Benign/Likely benign. Review status: criteria provided, multiple submitters, no conflicts (2 of 4 stars). 4 submissions from 4 submitters: Benign (2); Likely benign (1). 1 of the submissions does not count toward it. Last evaluated 2025-08-29.

Conditions:
F12-related disorder. Also called: F12-related condition; F12-related disorders. Identifiers: MedGen CN239389.
Hereditary angioedema type 3 (HAE3). Also called: ANGIONEUROTIC EDEMA, HEREDITARY, WITH NORMAL C1 INHIBITOR CONCENTRATION AND FUNCTION; ESTROGEN-RELATED HAE; ESTROGEN-SENSITIVE HAE; HAE WITH NORMAL C1 INHIBITOR CONCENTRATION AND FUNCTION. Identifiers: Orphanet 100054, MedGen C1857728, MONDO:0012526, OMIM 610618.

Allele frequency attached by ClinVar (database versions not stated): gnomAD exomes 0.00054 and 0.00139; ExAC 0.00370; gnomAD 0.00640 and 0.00679; ESP Exome Variant Server 0.00680; TOPMed 0.00712; 1000 Genomes Project 30x 0.00828; 1000 Genomes Project 0.00899.
gnomAD v4.1: 1,791 of 1,587,578 alleles (0.11%); highest among the groups gnomAD compares: African/African-American, 2.1%; 22 homozygotes.

Submissions (4):

Labcorp Genetics (formerly Invitae), Labcorp
Classification: Benign. Last evaluated: 2025-08-29. Review status: criteria provided, single submitter. Criteria: Invitae Variant Classification Sherloc (09022015). Collection method: clinical testing. Allele origin: germline.

Illumina Laboratory Services, Illumina
Classification: Benign for Hereditary angioedema type 3. Last evaluated: 2018-01-12. Review status: criteria provided, single submitter. Criteria: ICSL Variant Classification Criteria 13 December 2019. Collection method: clinical testing. Allele origin: germline.
Comment: This variant was observed in the ICSL laboratory as part of a predisposition screen in an ostensibly healthy population. It had not been previously curated by ICSL or reported in the Human Gene Mutation Database (HGMD: prior to June 1st, 2018), and was therefore a candidate for classification through an automated scoring system. Utilizing variant allele frequency, disease prevalence and penetrance estimates, and inheritance mode, an automated score was calculated to assess if this variant is too frequent to cause the disease. Based on the score and internal cut-off values, a variant classified as benign is not then subjected to further curation. The score for this variant resulted in a classification of benign for this disease.

Breakthrough Genomics
Classification: Likely benign. Review status: criteria provided, single submitter. Criteria: ACMG Guidelines, 2015. Collection method: not provided. Allele origin: germline. Inheritance: Autosomal recessive inheritance. Affected: yes.

PreventionGenetics, part of Exact Sciences
Classification: Benign for F12-related condition. Last evaluated: 2019-10-18. Review status: no assertion criteria provided. Collection method: clinical testing. Allele origin: germline. Not counted in ClinVar's aggregate classification.
Comment: This variant is classified as benign based on ACMG/AMP sequence variant interpretation guidelines (Richards et al. 2015 PMID: 25741868, with internal and published modifications).

NM_000505.4(F12):c.1342C>T (p.Arg448Cys)

Gene: F12 (coagulation factor XII; minus strand). Cytogenetic location: 5q35.3.
Variant type: single nucleotide variant.
Coding change: c.1342C>T on transcript NM_000505.4 (MANE Select); coding-DNA position 1342, C replaced by T.
Protein change: p.Arg448Cys; replaces arginine 448 with cysteine.
Molecular consequence: missense variant.
Genome position (GRCh38, 1-based): chr5:177,403,526, G>A on the plus strand (C>T on the coding strand, the complement: F12 is on the minus strand). VCF-style: chr5-177403526-G-A. GRCh37 (hg19) VCF-style: chr5-176830527-G-A.
Other names: short protein forms R448C.
Identifiers: ClinVar variation 352986 (VCV000352986.21), dbSNP rs115119084, ClinGen allele CA3581193.